The following is an entry in ClinVar:

ClinVar aggregate classification (germline): Conflicting classifications of pathogenicity. Review status: criteria provided, conflicting classifications (1 of 4 stars). 3 submissions from 3 submitters: Likely pathogenic (1); Uncertain significance (2). Last evaluated 2024-11-13.

Conditions:
3-methylcrotonyl-CoA carboxylase 1 deficiency (MCC1D). Also called: MCCD TYPE 1; METHYLCROTONYLGLYCINURIA TYPE I; MCC 1 deficiency; 3 Alpha methylcrotonylglycinuria 1. Identifiers: Orphanet 6, MedGen CN028786, MONDO:0008861, OMIM 210200.

Allele frequency attached by ClinVar (database versions not stated): TOPMed 0.00001.

Submissions (3):

Women's Health and Genetics/Laboratory Corporation of America, LabCorp
Classification: Uncertain significance. Last evaluated: 2024-11-13. Review status: criteria provided, single submitter. Criteria: LabCorp Variant Classification Summary - May 2015. Collection method: clinical testing. Allele origin: germline.
Comment: Variant summary: MCCC1 c.2123dupA (p.His708GlnfsX8) results in a premature termination codon, predicted to cause a truncation of the encoded protein or absence of the protein due to nonsense mediated decay, which are commonly known mechanisms for disease. The variant was absent in 250162 control chromosomes. The available data on variant occurrences in the general population are insufficient to allow any conclusion about variant significance. c.2123dupA has been reported in the literature in the presumed compound heterozygous state in at least 1 individual affected with Methylcrotonyl-CoA Carboxylase Deficiency (example, Grunert_2012). These data do not allow any conclusion about variant significance. At least one publication reports experimental evidence evaluating an impact on protein function, however, does not allow convincing conclusions about the variant effect (example, Grunert_2012). The following publication has been ascertained in the context of this evaluation (PMID: 22642865). ClinVar contains an entry for this variant (Variation ID: 654061). Based on the evidence outlined above, the variant was classified as uncertain significance.

Baylor Genetics
Classification: Likely pathogenic for 3-methylcrotonyl-CoA carboxylase 1 deficiency. Last evaluated: 2024-01-16. Review status: criteria provided, single submitter. Criteria: ACMG Guidelines, 2015. Collection method: clinical testing. Allele origin: unknown.

Labcorp Genetics (formerly Invitae), Labcorp
Classification: Uncertain significance for 3-methylcrotonyl-CoA carboxylase 1 deficiency. Last evaluated: 2018-10-01. Review status: criteria provided, single submitter. Criteria: Invitae Variant Classification Sherloc (09022015). Collection method: clinical testing. Allele origin: germline.
Comment: In summary, the available evidence is currently insufficient to determine the role of this variant in disease. Therefore, it has been classified as a Variant of Uncertain Significance. Experimental studies and prediction algorithms are not available for this variant, and the functional significance of the affected amino acid(s) is currently unknown. This variant has been observed in combination with another MCCC1 variant in an individual affected with¬†3-methylcrotonyl-CoA carboxylase deficiency¬†(PMID:¬†22642865). This variant is not present in population databases (ExAC no frequency). This sequence change results in a premature translational stop signal in the MCCC1 gene (p.His708Glnfs*8). While this is not anticipated to result in nonsense mediated decay, it is expected to disrupt the last 18 amino acids of the MCCC1 protein.

Literature cited by the submitters: PubMed 22642865 (cited by Women's Health and Genetics/Laboratory Corporation of America, LabCorp).

NM_020166.5(MCCC1):c.2123dup (p.His708fs)

Gene: MCCC1 (methylcrotonyl-CoA carboxylase subunit 1; minus strand). Cytogenetic location: 3q27.1.
Variant type: Duplication.
Coding change: c.2123dup on transcript NM_020166.5 (MANE Select); coding-DNA position 2123, one base duplicated (A; older notation c.2123dupA).
Protein change: p.His708fs; shifts the reading frame from histidine 708.
Molecular consequence: frameshift variant. On other transcripts: non-coding transcript variant (2).
Genome position (GRCh38, 1-based): chr3:183,015,493, T duplicated on the plus strand (A on the coding strand, the reverse complement: MCCC1 is on the minus strand). VCF-style (leftmost placement, unchanged base first): chr3-183015492-G-GT. GRCh37 (hg19) VCF-style: chr3-182733280-G-GT.
Other names: c.2123dupA (NM_020166.4, NM_020166.5); c.1772dup, p.His591fs (NM_001293273.2); c.1796dup, p.His599fs (NM_001363880.1); short protein forms H591fs, H599fs, H708fs.
Identifiers: ClinVar variation 654061 (VCV000654061.8), dbSNP rs1404350628, ClinGen allele CA903641690.